The following is an entry in ClinVar:

NM_000277.3(PAH):c.691T>C (p.Ser231Pro)

Gene: PAH (phenylalanine hydroxylase; minus strand). Cytogenetic location: 12q23.2.
Variant type: single nucleotide variant.
Coding change: c.691T>C on transcript NM_000277.3 (MANE Select); coding-DNA position 691, T replaced by C.
Protein change: p.Ser231Pro; replaces serine 231 with proline.
Molecular consequence: missense variant.
Genome position (GRCh38, 1-based): chr12:102,855,151, A>G on the plus strand (T>C on the coding strand, the complement: PAH is on the minus strand). VCF-style: chr12-102855151-A-G. GRCh37 (hg19) VCF-style: chr12-103248929-A-G.
Other names: c.691T>C (NM_000277.2); c.691T>C, p.Ser231Pro (NM_001354304.2); short protein forms S231P.
Identifiers: ClinVar variation 102786 (VCV000102786.18), dbSNP rs5030845, ClinGen allele CA229694.
Genomic context (GRCh38, chr12:102,855,151, plus strand): 5'-CTCCCCCAACTTTCTGCAGGGCCATTGACCCTGATGTGGACTTACTCTGCAGGAACTGAG[A>G]AACGTCTTCCAGCTGGGGAATGTTATCTTCATGGAAGCCACAGTACTTTTCAAGAAGTGG-3'
Protein context (NP_000268.1, residues 221-241): EDNIPQLEDV[Ser231Pro]QFLQTCTGFR

ClinVar aggregate classification (germline): Pathogenic. Review status: criteria provided, multiple submitters, no conflicts (2 of 4 stars). 8 submissions from 8 submitters: Pathogenic (6). 2 of the submissions do not count toward it. Last evaluated 2026-01-14.

Conditions:
Phenylketonuria (PKU). Also called: Phenylketonuria (PKU); FOLLING DISEASE; OLIGOPHRENIA PHENYLPYRUVICA; Phenylketonurias. Identifiers: Orphanet 716, MedGen C0031485, MONDO:0009861, OMIM 261600. Disease mechanism: loss of function.

Submissions (8):

Labcorp Genetics (formerly Invitae), Labcorp
Classification: Pathogenic for Phenylketonuria. Last evaluated: 2026-01-14. Review status: criteria provided, single submitter. Criteria: Invitae Variant Classification Sherloc (09022015). Collection method: clinical testing. Allele origin: germline.
Comment: This sequence change replaces serine, which is neutral and polar, with proline, which is neutral and non-polar, at codon 231 of the PAH protein (p.Ser231Pro). This variant is not present in population databases (gnomAD no frequency). This missense change has been observed in individual(s) with phenylketonuria (PMID: 18346471, 27682710). ClinVar contains an entry for this variant (Variation ID: 102786). Invitae Evidence Modeling of protein sequence and biophysical properties (such as structural, functional, and spatial information, amino acid conservation, physicochemical variation, residue mobility, and thermodynamic stability) indicates that this missense variant is expected to disrupt PAH protein function with a positive predictive value of 80%. Experimental studies have shown that this missense change affects PAH function (PMID: 8535444, 10394930). For these reasons, this variant has been classified as Pathogenic.

Natera, Inc.
Classification: Pathogenic for Phenylketonuria. Last evaluated: 2025-09-10. Review status: criteria provided, single submitter. Criteria: Natera Variant Classification Schema (03/2026). Collection method: clinical testing. Allele origin: germline.
Comment: The c.691T>C variant in PAH is a missense variant predicted to cause substitution of serine to proline at amino acid 231. This variant is rare in the general population with a frequency below the threshold expected for the associated phenotype(s). This variant has been observed in one or more individuals affected with the associated recessive disease, as either homozygous or compound heterozygous with a second variant (PMID: 23842451, 22763404, 23430918, 8535444). Computational prediction algorithms indicate this variant is likely to affect gene or protein function. Given the available evidence, this variant is classified as Pathogenic.

3billion
Classification: Pathogenic for Phenylketonuria. Last evaluated: 2025-05-19. Review status: criteria provided, single submitter. Criteria: ACMG Guidelines, 2015. Collection method: clinical testing. Allele origin: germline. Affected: yes.
Comment: The variant is not observed in the gnomAD v4.1.0 dataset. Predicted Consequence/Location: Missense variant In silico tool predictions suggest damaging effect of the variant on gene or gene product [REVEL: 0.99 (>=0.6, sensitivity 0.68 and specificity 0.92); 3Cnet: 1.00 (> 0.75, sensitivity 0.96 and precision 0.92)]. The same nucleotide change resulting in the same amino acid change has been previously reported as pathogenic/likely pathogenic with strong evidence (ClinVar ID: VCV000102786 /PMID: 8535444). A different missense change at the same codon (p.Ser231Phe) has been reported as pathogenic/likely pathogenic with strong evidence (ClinVar ID: VCV000102787 /PMID: 10679941). Therefore, this variant is classified as Pathogenic according to the recommendation of ACMG/AMP guideline.

Baylor Genetics
Classification: Pathogenic for Phenylketonuria. Last evaluated: 2024-03-08. Review status: criteria provided, single submitter. Criteria: ACMG Guidelines, 2015. Collection method: clinical testing. Allele origin: unknown.

Women's Health and Genetics/Laboratory Corporation of America, LabCorp
Classification: Pathogenic for Phenylketonuria. Last evaluated: 2021-10-29. Review status: criteria provided, single submitter. Criteria: LabCorp Variant Classification Summary - May 2015. Collection method: clinical testing. Allele origin: germline.
Comment: Variant summary: PAH c.691T>C (p.Ser231Pro) results in a non-conservative amino acid change in the encoded protein sequence. Five of five in-silico tools predict a damaging effect of the variant on protein function. The variant was absent in 251314 control chromosomes. c.691T>C has been reported in the literature in multiple individuals affected with Phenylalanine Hydroxylase Deficiency (Phenylketonuria, e.g. Shirzadeh_2018). These data indicate that the variant is very likely to be associated with disease. Three clinical diagnostic laboratories have submitted clinical-significance assessments for this variant to ClinVar after 2014 without evidence for independent evaluation. All laboratories classified the variant as pathogenic. Based on the evidence outlined above, the variant was classified as pathogenic.

Laboratory for Molecular Medicine, Mass General Brigham Personalized Medicine
Classification: Pathogenic for Phenylketonuria. Last evaluated: 2014-09-24. Review status: criteria provided, single submitter. Criteria: LMM Criteria. Collection method: clinical testing. Allele origin: germline. Inheritance: Autosomal recessive inheritance. Observed: 1 variant allele. Study: CSER-MedSeq.
Comment: The p.Ser231Pro variant has been reported at least seven individuals with phenylketonuria (PKU) in the homozygous or compound heterozygous state (Effat 1999, Daniele 2008, Hamzelhoei 2012, Ajami 2013), and was not identified in large population studies. In vitro functional assays suggest complete loss of enzymatic activity (Dianzani 1995). In summary, this variant meets our criteria to be classified as pathogenic for PKU in an autosomal recessive manner for PKU based upon presence in affected individuals, absence from controls, and functional evidence.

Counsyl
Classification: Pathogenic for Phenylketonuria. Last evaluated: 2018-01-03. Review status: no assertion criteria provided. Collection method: clinical testing. Allele origin: unknown. Not counted in ClinVar's aggregate classification.

DeBelle Laboratory for Biochemical Genetics, MUHC/MCH RESEARCH INSTITUTE
No classification provided. Review status: no classification provided. Collection method: not provided. Allele origin: not provided. Not counted in ClinVar's aggregate classification.

Literature cited by the submitters: PubMed 18346471 (cited by Labcorp Genetics (formerly Invitae), Labcorp and Laboratory for Molecular Medicine, Mass General Brigham Personalized Medicine); PubMed 27682710 (cited by Labcorp Genetics (formerly Invitae), Labcorp); PubMed 8535444 (cited by 5 submitters); PubMed 10394930 (cited by Labcorp Genetics (formerly Invitae), Labcorp); PubMed 23842451 (cited by Natera, Inc. and Counsyl); PubMed 22763404 (cited by 3 submitters); PubMed 23430918 (cited by Natera, Inc. and Counsyl); PubMed 10679941 (cited by 3billion); PubMed 30159852 (cited by Women's Health and Genetics/Laboratory Corporation of America, LabCorp); PubMed 24301756 (cited by Laboratory for Molecular Medicine, Mass General Brigham Personalized Medicine and Counsyl); PubMed 10196714 (cited by Laboratory for Molecular Medicine, Mass General Brigham Personalized Medicine and Counsyl); PubMed 10527663 (cited by Counsyl); PubMed 17096675 (cited by Counsyl).